The following is an entry in ClinVar:

ClinVar aggregate classification (germline): Uncertain significance (1 of 4 stars; one submission).

Allele frequency attached by ClinVar (database versions not stated): ExAC 0.00001; gnomAD 0.00001; TOPMed 0.00001; gnomAD exomes 0.00004.
gnomAD v4.1: 57 of 1,613,924 alleles (0.0035%); highest among the groups gnomAD compares: Non-Finnish European, 0.0048%; no homozygotes.

Submission:

GeneDx
Classification: Uncertain significance. Last evaluated: 2020-01-28. Review status: criteria provided, single submitter. Criteria: GeneDx Variant Classification Process June 2021. Collection method: clinical testing. Allele origin: germline. Affected: yes.
Comment: Not observed in large population cohorts (Lek et al., 2016); In silico analysis, which includes protein predictors and evolutionary conservation, supports that this variant does not alter protein structure/function; Has not been previously published as pathogenic or benign to our knowledge

NM_001843.4(CNTN1):c.296T>C (p.Val99Ala)

Gene: CNTN1 (contactin 1; plus strand). Cytogenetic location: 12q12.
Variant type: single nucleotide variant.
Coding change: c.296T>C on transcript NM_001843.4 (MANE Select); coding-DNA position 296, T replaced by C.
Protein change: p.Val99Ala; replaces valine 99 with alanine.
Molecular consequence: missense variant.
Genome position (GRCh38, 1-based): chr12:40,922,324, T>C. VCF-style: chr12-40922324-T-C. GRCh37 (hg19) VCF-style: chr12-41316126-T-C.
Other names: c.296T>C, p.Val99Ala (NM_001256063.2, NM_001256064.2); c.263T>C, p.Val88Ala (NM_175038.2); short protein forms V88A, V99A.
Identifiers: ClinVar variation 1314530 (VCV001314530.2), dbSNP rs780404377, ClinGen allele CA6516573.